The following is an entry in ClinVar:

NM_007144.3(PCGF2):c.966G>C (p.Gln322His)

Genes: CISD3 (CDGSH iron sulfur domain 3; plus strand), PCGF2 (polycomb group ring finger 2; minus strand). Cytogenetic location: 17q12.
Variant type: single nucleotide variant.
Coding change: c.966G>C on transcript NM_007144.3 (MANE Select); coding-DNA position 966, G replaced by C.
Protein change: p.Gln322His; replaces glutamine 322 with histidine.
Molecular consequence: missense variant. On other transcripts: 3 prime UTR variant (1).
Genome position (GRCh38, 1-based): chr17:38,735,292, C>G on the plus strand (G>C on the coding strand, the complement: PCGF2 is on the minus strand). VCF-style: chr17-38735292-C-G. GRCh37 (hg19) VCF-style: chr17-36891545-C-G.
Other names: c.*1837C>G (NM_001136498.2); c.966G>C, p.Gln322His (NM_001369614.1, NM_001369615.1); short protein forms Q322H.
Identifiers: ClinVar variation 4717716 (VCV004717716.1).

ClinVar aggregate classification (germline): Uncertain significance (1 of 4 stars; one submission).

gnomAD v4.1: 1 of 1,505,464 alleles (0.000066%); highest among the groups gnomAD compares: South Asian, 0.0013%; no homozygotes.

Submission:

Labcorp Genetics (formerly Invitae), Labcorp
Classification: Uncertain significance. Last evaluated: 2025-04-17. Review status: criteria provided, single submitter. Criteria: Invitae Variant Classification Sherloc (09022015). Collection method: clinical testing. Allele origin: germline.
Comment: This sequence change replaces glutamine, which is neutral and polar, with histidine, which is basic and polar, at codon 322 of the PCGF2 protein (p.Gln322His). This variant is not present in population databases (gnomAD no frequency). This variant has not been reported in the literature in individuals affected with PCGF2-related conditions. An algorithm developed to predict the effect of missense changes on protein structure and function (PolyPhen-2) suggests that this variant is likely to be disruptive. In summary, the available evidence is currently insufficient to determine the role of this variant in disease. Therefore, it has been classified as a Variant of Uncertain Significance.